The following is an entry in ClinVar:

ClinVar aggregate classification (germline): Benign (0 of 4 stars; one submission).

Conditions:
KCNQ1-related disorder. Also called: KCNQ1-related condition; KCNQ1-related disorders. Identifiers: MedGen CN239322.

Submission:

PreventionGenetics, part of Exact Sciences
Classification: Benign for KCNQ1-related condition. Last evaluated: 2020-06-30. Review status: no assertion criteria provided. Collection method: clinical testing. Allele origin: germline.
Comment: This variant is classified as benign based on ACMG/AMP sequence variant interpretation guidelines (Richards et al. 2015 PMID: 25741868, with internal and published modifications).

NM_000218.3(KCNQ1):c.1394-27651CCCTCCC[2]

Genes: KCNQ1 (potassium voltage-gated channel subfamily Q member 1; plus strand), KCNQ1OT1 (KCNQ1 opposite strand/antisense transcript 1; minus strand). Cytogenetic location: 11p15.5.
Variant type: Microsatellite.
Coding change: c.1394-27651CCCTCCC[2] on transcript NM_000218.3 (MANE Select); two copies in a row of the 7-base unit CCCTCCC starting at c.1394-27651.
Molecular consequence: intron variant. On other transcripts: non-coding transcript variant (1).
Genome position: GRCh38 VCF-style: chr11-2634309-TCCCTCCC-T. GRCh37 (hg19) VCF-style: chr11-2655539-TCCCTCCC-T.
Other names: c.1124-27651CCCTCCC[2] (NM_001406837.1); c.1298-27651CCCTCCC[2] (NM_001406836.1); c.854-27651CCCTCCC[2] (NM_001406838.1); c.1013-27651CCCTCCC[2] (NM_181798.2).
Identifiers: ClinVar variation 3043564 (VCV003043564.2), dbSNP rs139335944, ClinGen allele CA216148171.